The following is an entry in ClinVar:

NM_005859.5(PURA):c.306C>T (p.Leu102=)

Gene: PURA (purine rich element binding protein A; plus strand). Cytogenetic location: 5q31.3.
Variant type: single nucleotide variant.
Coding change: c.306C>T on transcript NM_005859.5 (MANE Select); coding-DNA position 306, C replaced by T.
Protein change: p.Leu102=; no amino-acid change (leucine 102 retained).
Molecular consequence: synonymous variant.
Genome position (GRCh38, 1-based): chr5:140,114,487, C>T. VCF-style: chr5-140114487-C-T. GRCh37 (hg19) VCF-style: chr5-139494072-C-T.
Identifiers: ClinVar variation 1119818 (VCV001119818.12), dbSNP rs762714935, ClinGen allele CA3437449.

ClinVar aggregate classification (germline): Likely benign. Review status: criteria provided, multiple submitters, no conflicts (2 of 4 stars). 2 submissions from 2 submitters: Likely benign (2). Last evaluated 2024-10-17.

Conditions:
PURA-related severe neonatal hypotonia-seizures-encephalopathy syndrome (NEDRIHF). Also called: NEURODEVELOPMENTAL DISORDER WITH NEONATAL RESPIRATORY INSUFFICIENCY, HYPOTONIA, AND FEEDING DIFFICULTIES; PURA-Related Neurodevelopmental Disorders. Identifiers: Orphanet 438213, Orphanet 438216, MedGen C4015357, MONDO:1060108, OMIM 616158, MONDO:0018580.

Allele frequency attached by ClinVar (database versions not stated): gnomAD exomes below 0.00001; ExAC 0.00001.
gnomAD v4.1: 2 of 1,612,622 alleles (0.00012%); highest among the groups gnomAD compares: South Asian, 0.0011%; no homozygotes.

Submissions (2):

Labcorp Genetics (formerly Invitae), Labcorp
Classification: Likely benign for PURA-related severe neonatal hypotonia-seizures-encephalopathy syndrome. Last evaluated: 2024-10-17. Review status: criteria provided, single submitter. Criteria: Invitae Variant Classification Sherloc (09022015). Collection method: clinical testing. Allele origin: germline.

Genetic Services Laboratory, University of Chicago
Classification: Likely benign. Last evaluated: 2020-03-02. Review status: criteria provided, single submitter. Criteria: ACMG Guidelines, 2015. Collection method: clinical testing. Allele origin: germline. Affected: no.
Comment: DNA sequence analysis of the PURA gene demonstrated a sequence change, c.306C>T, in exon 1 which does not result in an amino acid change. This sequence change does not appear to have been previously described in patients with PURA-related intellectually disability. This particular sequence change has been described in the gnomAD database in one individual which corresponds to a population frequency of 0.00041% (rs762714935). This sequence change is not clearly predicted to have a deleterious effect on splicing based on in silico splice prediction programs. As the c.306C>T sequence change does not result in a change in the PURA amino acid sequence, it is possible that this change is non-pathogenic and represents a benign sequence variant of the PURA gene, however functional studies have not been performed to prove this conclusively. De novo heterozygous pathogenic variants in the PURA gene have been described in individuals with a neurodevelopmental phenotype characterized by hypotonia, global developmental delay including language impairment, feeding difficulties, intellectual disability, and frequent apnea and epilepsy (OMIM# 616158 and PMID: 29150892). The presence of the above sequence change in a phenotypically normal individual is indicative of this sequence change being a likely benign sequence change.